The following is an entry in ClinVar:

ClinVar aggregate classification (germline): Benign/Likely benign. Review status: criteria provided, multiple submitters, no conflicts (2 of 4 stars). 3 submissions from 3 submitters: Benign (1); Likely benign (2). Last evaluated 2025-03-17.

Allele frequency attached by ClinVar (database versions not stated): ExAC 0.00002; gnomAD exomes 0.00002; gnomAD 0.00006 and 0.00007; TOPMed 0.00006; ESP Exome Variant Server 0.00019.
gnomAD v4.1: 34 of 1,126,829 alleles (0.003%); highest among the groups gnomAD compares: Admixed American, 0.0044%; no homozygotes.

Submissions (3):

Labcorp Genetics (formerly Invitae), Labcorp
Classification: Benign. Last evaluated: 2025-03-17. Review status: criteria provided, single submitter. Criteria: Invitae Variant Classification Sherloc (09022015). Collection method: clinical testing. Allele origin: germline.

Blueprint Genetics
Classification: Likely benign. Last evaluated: 2023-10-06. Review status: criteria provided, single submitter. Criteria: ACMG Guidelines, 2015. Collection method: clinical testing. Allele origin: germline.

CeGaT Center for Human Genetics Tuebingen
Classification: Likely benign. Last evaluated: 2022-08-01. Review status: criteria provided, single submitter. Criteria: CeGaT Center For Human Genetics Tuebingen Variant Classification Criteria Version 2. Collection method: clinical testing. Allele origin: germline. Affected: yes. Observed: 1 variant allele.
Comment: PAK3: BP4, BP7

NM_002578.5(PAK3):c.849T>C (p.Tyr283=)

Gene: PAK3 (p21 (RAC1) activated kinase 3; plus strand). Cytogenetic location: Xq23.
Variant type: single nucleotide variant.
Coding change: c.849T>C on transcript NM_002578.5 (MANE Select); coding-DNA position 849, T replaced by C.
Protein change: p.Tyr283=; no amino-acid change (tyrosine 283 retained).
Molecular consequence: synonymous variant. On other transcripts: non-coding transcript variant (2).
Genome position (GRCh38, 1-based): chrX:111,192,145, T>C. VCF-style: chrX-111192145-T-C. GRCh37 (hg19) VCF-style: chrX-110435373-T-C.
Other names: c.849T>C, p.Tyr283= (NM_001128166.3, NM_001128167.3, NM_001324325.2 and 5 more transcripts); c.957T>C, p.Tyr319= (NM_001128168.3); c.912T>C, p.Tyr304= (NM_001128172.2); c.894T>C, p.Tyr298= (NM_001128173.3, NM_001324327.2, NM_001324328.2 and 2 more transcripts).
Identifiers: ClinVar variation 1571434 (VCV001571434.33), dbSNP rs374626503, ClinGen allele CA10492725.
Genomic context (GRCh38, chrX:111,192,145, plus strand): 5'-CAGCTTGATTGCTTATTCTTTTGATAATTTTCACCTTCACAGGGCATCAGGTACTGTTTA[T>C]ACAGCACTAGACATTGCAACAGGACAAGAGGTAAGTGCTAACGTTCAATCCTGATTTTTA-3'
Protein context (NP_002569.1, residues 273-293): KIGQGASGTV[Tyr283=]TALDIATGQE